The following is an entry in ClinVar:

NM_000059.4(BRCA2):c.1287dup (p.Asp430fs)

Gene: BRCA2 (BRCA2 DNA repair associated; plus strand). Cytogenetic location: 13q13.1.
Variant type: Duplication.
Coding change: c.1287dup on transcript NM_000059.4 (MANE Select); coding-DNA position 1287, one base duplicated (A; older notation c.1287dupA).
Protein change: p.Asp430fs; shifts the reading frame from aspartic acid 430.
Molecular consequence: frameshift variant.
Genome position (GRCh38, 1-based): chr13:32,332,765, A duplicated. VCF-style (leftmost placement, unchanged base first): chr13-32332764-T-TA. GRCh37 (hg19) VCF-style: chr13-32906901-T-TA.
Other names: 1515_1516insA; c.1287dupA (NM_000059.3); short protein forms D430fs.
Identifiers: ClinVar variation 266625 (VCV000266625.7), dbSNP rs886040357, ClinGen allele CA10589084.

ClinVar aggregate classification (germline): Pathogenic. Review status: reviewed by expert panel (3 of 4 stars). 4 submissions from 4 submitters: Pathogenic (1). 3 of the submissions do not count toward it. Last evaluated 2016-10-18.

Conditions:
Breast-ovarian cancer, familial, susceptibility to, 2 (BROVCA2). Also called: BRCA2 Hereditary Breast and Ovarian Cancer. Identifiers: Orphanet 145, MedGen C2675520, MONDO:0012933, OMIM 612555. Disease mechanism: loss of function.

Submissions (4):

Evidence-based Network for the Interpretation of Germline Mutant Alleles (ENIGMA)
Classification: Pathogenic for Breast-ovarian cancer, familial, susceptibility to, 2. Last evaluated: 2016-10-18. Review status: reviewed by expert panel. Criteria: ENIGMA BRCA1/2 Classification Criteria (2015). Collection method: curation. Allele origin: germline.
Comment: Variant allele predicted to encode a truncated non-functional protein.

Myriad Genetics, Inc.
Classification: Pathogenic for Breast-ovarian cancer, familial, susceptibility to, 2. Last evaluated: 2025-09-03. Review status: criteria provided, single submitter. Criteria: Myriad Autosomal Dominant, Autosomal Recessive and X-Linked Classification Criteria (2023). Collection method: clinical testing. Allele origin: unknown. Not counted in ClinVar's aggregate classification.
Comment: This variant is considered pathogenic. This variant creates a frameshift predicted to result in premature protein truncation.

Molecular Pathology, Peter Maccallum Cancer Centre
Classification: Pathogenic for Breast-ovarian cancer, familial, susceptibility to, 2. Last evaluated: 2024-08-12. Review status: criteria provided, single submitter. Criteria: ACMG Guidelines, 2015. Collection method: clinical testing. Allele origin: germline. Inheritance: Autosomal dominant inheritance. Not counted in ClinVar's aggregate classification.

Consortium of Investigators of Modifiers of BRCA1/2 (CIMBA), c/o University of Cambridge
Classification: Pathogenic for Breast-ovarian cancer, familial, susceptibility to, 2. Last evaluated: 2015-10-02. Review status: criteria provided, single submitter. Criteria: CIMBA Mutation Classification guidelines May 2016. Collection method: clinical testing. Allele origin: germline. Not counted in ClinVar's aggregate classification.